The following is an entry in ClinVar:

NM_001371986.1(UNC80):c.4926A>G (p.Leu1642=)

Gene: UNC80 (unc-80 subunit of NALCN channel complex; plus strand). Cytogenetic location: 2q34.
Variant type: single nucleotide variant.
Coding change: c.4926A>G on transcript NM_001371986.1 (MANE Select); coding-DNA position 4926, A replaced by G.
Protein change: p.Leu1642=; no amino-acid change (leucine 1642 retained).
Molecular consequence: synonymous variant.
Genome position (GRCh38, 1-based): chr2:209,913,837, A>G. VCF-style: chr2-209913837-A-G. GRCh37 (hg19) VCF-style: chr2-210778561-A-G.
Other names: c.4728A>G, p.Leu1576= (NM_032504.2); c.4713A>G, p.Leu1571= (NM_182587.4).
Identifiers: ClinVar variation 3040943 (VCV003040943.4), dbSNP rs1160631042, ClinGen allele CA431097163.

ClinVar aggregate classification (germline): Likely benign. Review status: criteria provided, single submitter (1 of 4 stars). 2 submissions from 2 submitters: Likely benign (1). 1 of the submissions does not count toward it. Last evaluated 2024-12-04.

Conditions:
UNC80-related disorder. Also called: UNC80-related condition.

Allele frequency attached by ClinVar (database versions not stated): gnomAD exomes below 0.00001.
gnomAD v4.1: 1 of 1,551,150 alleles (0.000064%); highest among the groups gnomAD compares: Admixed American, 0.002%; no homozygotes.

Submissions (2):

Labcorp Genetics (formerly Invitae), Labcorp
Classification: Likely benign. Last evaluated: 2024-12-04. Review status: criteria provided, single submitter. Criteria: Invitae Variant Classification Sherloc (09022015). Collection method: clinical testing. Allele origin: germline.

PreventionGenetics, part of Exact Sciences
Classification: Likely benign for UNC80-related condition. Last evaluated: 2019-09-26. Review status: no assertion criteria provided. Collection method: clinical testing. Allele origin: germline. Not counted in ClinVar's aggregate classification.
Comment: This variant is classified as likely benign based on ACMG/AMP sequence variant interpretation guidelines (Richards et al. 2015 PMID: 25741868, with internal and published modifications).